The following is an entry in ClinVar:

NM_001282116.2(RFX3):c.345T>C (p.Thr115=)

Gene: RFX3 (regulatory factor X3; minus strand). Cytogenetic location: 9p24.2.
Variant type: single nucleotide variant.
Coding change: c.345T>C on transcript NM_001282116.2 (MANE Select); coding-DNA position 345, T replaced by C.
Protein change: p.Thr115=; no amino-acid change (threonine 115 retained).
Molecular consequence: synonymous variant.
Genome position (GRCh38, 1-based): chr9:3,330,388, A>G on the plus strand (T>C on the coding strand, the complement: RFX3 is on the minus strand). VCF-style: chr9-3330388-A-G. GRCh37 (hg19) VCF-style: chr9-3330388-A-G.
Other names: c.345T>C, p.Thr115= (NM_001282117.2, NM_001377999.1, NM_002919.4 and 1 more transcripts).
Identifiers: ClinVar variation 3035443 (VCV003035443.6), dbSNP rs34162079, ClinGen allele CA4967456.

ClinVar aggregate classification (germline): Likely benign. Review status: criteria provided, single submitter (1 of 4 stars). 2 submissions from 2 submitters: Likely benign (1). 1 of the submissions does not count toward it. Last evaluated 2026-03-01.

Conditions:
RFX3-related disorder. Also called: RFX3-related condition.

Allele frequency attached by ClinVar (database versions not stated): gnomAD exomes 0.00012; 1000 Genomes Project 30x 0.00016; 1000 Genomes Project 0.00020; ExAC 0.00035; ESP Exome Variant Server 0.00100; gnomAD 0.00115; TOPMed 0.00145.
gnomAD v4.1: 343 of 1,614,142 alleles (0.021%); highest among the groups gnomAD compares: African/African-American, 0.42%; 1 homozygote.

Submissions (2):

CeGaT Center for Human Genetics Tuebingen
Classification: Likely benign. Last evaluated: 2026-03-01. Review status: criteria provided, single submitter. Criteria: CeGaT Center For Human Genetics Tuebingen Variant Classification Criteria Version 2. Collection method: clinical testing. Allele origin: germline. Affected: yes. Observed: 1 variant allele.
Comment: RFX3: BP4, BP7

PreventionGenetics, part of Exact Sciences
Classification: Likely benign for RFX3-related condition. Last evaluated: 2024-01-22. Review status: no assertion criteria provided. Collection method: clinical testing. Allele origin: germline. Not counted in ClinVar's aggregate classification.
Comment: This variant is classified as likely benign based on ACMG/AMP sequence variant interpretation guidelines (Richards et al. 2015 PMID: 25741868, with internal and published modifications).